The following is an entry in ClinVar:

NM_006343.3(MERTK):c.1261C>T (p.Arg421Trp)

Gene: MERTK (MER proto-oncogene, tyrosine kinase; plus strand). Cytogenetic location: 2q13.
Variant type: single nucleotide variant.
Coding change: c.1261C>T on transcript NM_006343.3 (MANE Select); coding-DNA position 1261, C replaced by T.
Protein change: p.Arg421Trp; replaces arginine 421 with tryptophan.
Molecular consequence: missense variant.
Genome position (GRCh38, 1-based): chr2:111,982,958, C>T. VCF-style: chr2-111982958-C-T. GRCh37 (hg19) VCF-style: chr2-112740535-C-T.
Other names: short protein forms R421W.
Identifiers: ClinVar variation 330752 (VCV000330752.26), dbSNP rs142985827, ClinGen allele CA1831307.

ClinVar aggregate classification (germline): Conflicting classifications of pathogenicity. Review status: criteria provided, conflicting classifications (1 of 4 stars). 8 submissions from 8 submitters: Uncertain significance (3); Benign (1); Likely benign (2). 2 of the submissions do not count toward it. Last evaluated 2026-02-03.

Conditions:
MERTK-related disorder. Also called: MERTK-related condition.
Retinal dystrophy. Also called: Inherited retinal dystrophy. Identifiers: HP:0000556, Orphanet 71862, MedGen C0854723, MeSH D058499, MONDO:0019118.
Retinitis pigmentosa (RP). Identifiers: Orphanet 791, MedGen C0035334, MeSH D012174, MONDO:0019200, OMIM 268000. Inheritance: Autosomal dominant, autosomal recessive and X linked inheritance.

Allele frequency attached by ClinVar (database versions not stated): 1000 Genomes Project 30x 0.00047; TOPMed 0.00053; 1000 Genomes Project 0.00060; ESP Exome Variant Server 0.00069; gnomAD 0.00074 and 0.00075; gnomAD exomes 0.00085 and 0.00086; ExAC 0.00109.
gnomAD v4.1: 1,346 of 1,614,078 alleles (0.083%); highest among the groups gnomAD compares: Non-Finnish European, 0.09%; 2 homozygotes.

Submissions (8):

Labcorp Genetics (formerly Invitae), Labcorp
Classification: Benign. Last evaluated: 2026-02-03. Review status: criteria provided, single submitter. Criteria: Invitae Variant Classification Sherloc (09022015). Collection method: clinical testing. Allele origin: germline.

PreventionGenetics, part of Exact Sciences
Classification: Likely benign for MERTK-related condition. Last evaluated: 2024-12-10. Review status: criteria provided, single submitter. Criteria: ACMG Guidelines, 2015. Collection method: clinical testing. Allele origin: germline.
Comment: This variant is classified as likely benign based on ACMG/AMP sequence variant interpretation guidelines (Richards et al. 2015 PMID: 25741868, with internal and published modifications).

Blueprint Genetics
Classification: Likely benign. Last evaluated: 2024-11-20. Review status: criteria provided, single submitter. Criteria: ACMG Guidelines, 2015. Collection method: clinical testing. Allele origin: germline.

Institute of Human Genetics, Univ. Regensburg, Univ. Regensburg
Classification: Uncertain significance for Retinal dystrophy. Last evaluated: 2023-01-01. Review status: criteria provided, single submitter. Criteria: ACMG Guidelines, 2015. Collection method: clinical testing. Allele origin: germline. Affected: yes.

Illumina Laboratory Services, Illumina
Classification: Uncertain significance for Retinitis pigmentosa. Last evaluated: 2018-01-13. Review status: criteria provided, single submitter. Criteria: ICSL Variant Classification Criteria 13 December 2019. Collection method: clinical testing. Allele origin: germline.

Eurofins Ntd Llc (ga)
Classification: Uncertain significance. Last evaluated: 2017-09-28. Review status: criteria provided, single submitter. Criteria: EGL Classification Definitions 2015. Collection method: clinical testing. Allele origin: germline. Observed: 1 variant allele, 1 heterozygote.

Clinical Genetics DNA and cytogenetics Diagnostics Lab, Erasmus MC, Erasmus Medical Center
Classification: Uncertain significance. Review status: no assertion criteria provided. Collection method: clinical testing. Allele origin: germline. Affected: yes. Study: VKGL Data-share Consensus. Not counted in ClinVar's aggregate classification.

Clinical Genetics, Academic Medical Center
Classification: Uncertain significance. Review status: no assertion criteria provided. Collection method: clinical testing. Allele origin: germline. Affected: yes. Study: VKGL Data-share Consensus. Not counted in ClinVar's aggregate classification.

Literature cited by the submitters: PubMed 32483926 (cited by Institute of Human Genetics, Univ. Regensburg, Univ. Regensburg).